The following is an entry in ClinVar:

NM_206933.4(USH2A):c.5933_5940del (p.Pro1978fs)

Gene: USH2A (usherin; minus strand). Cytogenetic location: 1q41.
Variant type: Deletion.
Coding change: c.5933_5940del on transcript NM_206933.4 (MANE Select); coding-DNA positions 5933 to 5940, 8 bases deleted (CTGTTGTC; older notation c.5933_5940delCTGTTGTC).
Protein change: p.Pro1978fs; shifts the reading frame from proline 1978.
Molecular consequence: frameshift variant.
Genome position (GRCh38, 1-based): chr1:216,070,210-216,070,217, GACAACAG deleted on the plus strand (CTGTTGTC on the coding strand, the reverse complement: USH2A is on the minus strand); deleting any 8 consecutive bases within chr1:216,070,210-216,070,218 gives the same sequence; the c. name uses the placement nearest the transcript's 3' end. VCF-style (leftmost placement, unchanged base first): chr1-216070209-TGACAACAG-T. GRCh37 (hg19) VCF-style: chr1-216243551-TGACAACAG-T.
Other names: short protein forms P1978fs.
Identifiers: ClinVar variation 4937444 (VCV004937444.2).

ClinVar aggregate classification (germline): Pathogenic. Review status: criteria provided, multiple submitters, no conflicts (2 of 4 stars). 2 submissions from 2 submitters: Pathogenic (2). Last evaluated 2026-02-25.

Conditions:
USH2A-related disorder. Also called: USH2A-related disorders; USH2A-related condition. Identifiers: MedGen CN239332.

Submissions (2):

Myriad Genetics, Inc.
Classification: Pathogenic for USH2A-related disorder. Last evaluated: 2026-02-25. Review status: criteria provided, single submitter. Criteria: Myriad Autosomal Dominant, Autosomal Recessive and X-Linked Classification Criteria (2023). Collection method: clinical testing. Allele origin: unknown.
Comment: NM_206933.2(USH2A):c.5933_5940del8(P1978Qfs*5) is a frameshift variant classified as pathogenic in the context of USH2A-related disorders. P1978Qfs*5 has been observed in a case with relevant disease (PMID: 34781295). Relevant functional assessments of this variant are not available in the literature. P1978Qfs*5 has not been observed in referenced population frequency databases. In summary, NM_206933.2(USH2A):c.5933_5940del8(P1978Qfs*5) is a frameshift variant in a gene where loss of function is a known mechanism of disease, is predicted to disrupt protein function, and has been observed more frequently in cases with the relevant disease than in healthy populations. Please note: this variant was assessed in the context of healthy population screening.

Blueprint Genetics
Classification: Pathogenic for USH2A-related disorders. Last evaluated: 2022-08-13. Review status: criteria provided, single submitter. Criteria: ACMG Guidelines, 2015. Collection method: clinical testing. Allele origin: germline. Affected: yes. Observed: 1 variant allele.

Literature cited by the submitters: PubMed 34781295 (cited by Myriad Genetics, Inc.).